The following is an entry in ClinVar:

ClinVar aggregate classification (germline): Uncertain significance (1 of 4 stars; one submission).

Conditions:
RYR1-related disorder. Also called: RYR1-related condition; RYR1-related disorders. Identifiers: MedGen CN239331.

Submission:

Labcorp Genetics (formerly Invitae), Labcorp
Classification: Uncertain significance for RYR1-related disorder. Last evaluated: 2021-09-21. Review status: criteria provided, single submitter. Criteria: Invitae Variant Classification Sherloc (09022015). Collection method: clinical testing. Allele origin: germline.
Comment: This sequence change replaces leucine with proline at codon 2377 of the RYR1 protein (p.Leu2377Pro). The leucine residue is highly conserved and there is a moderate physicochemical difference between leucine and proline. This variant is not present in population databases (ExAC no frequency). This variant has not been reported in the literature in individuals affected with RYR1-related conditions. Advanced modeling of protein sequence and biophysical properties (such as structural, functional, and spatial information, amino acid conservation, physicochemical variation, residue mobility, and thermodynamic stability) performed at Invitae indicates that this missense variant is expected to disrupt RYR1 protein function. In summary, the available evidence is currently insufficient to determine the role of this variant in disease. Therefore, it has been classified as a Variant of Uncertain Significance.

NM_000540.3(RYR1):c.7130T>C (p.Leu2377Pro)

Gene: RYR1 (ryanodine receptor 1; plus strand). Cytogenetic location: 19q13.2.
Variant type: single nucleotide variant.
Coding change: c.7130T>C on transcript NM_000540.3 (MANE Select); coding-DNA position 7130, T replaced by C.
Protein change: p.Leu2377Pro; replaces leucine 2377 with proline.
Molecular consequence: missense variant.
Genome position (GRCh38, 1-based): chr19:38,499,737, T>C. VCF-style: chr19-38499737-T-C. GRCh37 (hg19) VCF-style: chr19-38990377-T-C.
Other names: c.7130T>C, p.Leu2377Pro (NM_001042723.2); short protein forms L2377P.
Identifiers: ClinVar variation 1463143 (VCV001463143.6), dbSNP rs1600820682, ClinGen allele CA405668266.
Genomic context (GRCh38, chr19:38,499,737, plus strand): 5'-TCATCCGGAAGCCTGAGTGCTTCGGACCCGCCCTGCGGGGTGAGGGTGGCTCAGGGCTGC[T>C]GGCTGCCATCGAAGAGGCCATCCGCATCTCCGAGGACCCTGCGAGGGATGGCCCAGGCAT-3'
Protein context (NP_000531.2, residues 2367-2387): ALRGEGGSGL[Leu2377Pro]AAIEEAIRIS